The following is an entry in ClinVar:

ClinVar aggregate classification (germline): Uncertain significance (1 of 4 stars; one submission).

Submission:

Ambry Genetics
Classification: Uncertain significance. Last evaluated: 2023-05-28. Review status: criteria provided, single submitter. Criteria: Ambry Variant Classification Scheme 2023. Collection method: clinical testing. Allele origin: germline.
Comment: The p.G272A variant (also known as c.815G>C), located in coding exon 4 of the GALNT12 gene, results from a G to C substitution at nucleotide position 815. The glycine at codon 272 is replaced by alanine, an amino acid with similar properties. This amino acid position is conserved. In addition, the in silico prediction for this alteration is inconclusive. Since supporting evidence is limited at this time, the clinical significance of this alteration remains unclear.

NM_024642.5(GALNT12):c.815G>C (p.Gly272Ala)

Gene: GALNT12 (polypeptide N-acetylgalactosaminyltransferase 12; plus strand). Cytogenetic location: 9q22.33.
Variant type: single nucleotide variant.
Coding change: c.815G>C on transcript NM_024642.5 (MANE Select); coding-DNA position 815, G replaced by C.
Protein change: p.Gly272Ala; replaces glycine 272 with alanine.
Molecular consequence: missense variant.
Genome position (GRCh38, 1-based): chr9:98,831,855, G>C. VCF-style: chr9-98831855-G-C. GRCh37 (hg19) VCF-style: chr9-101594137-G-C.
Other names: short protein forms G272A.
Identifiers: ClinVar variation 2566275 (VCV002566275.2), dbSNP rs2490517646, ClinGen allele CA374218069.